The following is an entry in ClinVar:

ClinVar aggregate classification (germline): Likely pathogenic (1 of 4 stars; one submission).

Conditions:
Hereditary spastic paraplegia 39 (SPG39). Also called: SPASTIC PARAPLEGIA 39, AUTOSOMAL RECESSIVE; Spastic Paraplegia Type 39 (SPG39). Identifiers: Orphanet 139480, MedGen C2677586, MONDO:0012787, OMIM 612020.

Submission:

Labcorp Genetics (formerly Invitae), Labcorp
Classification: Likely pathogenic for Hereditary spastic paraplegia 39. Last evaluated: 2025-11-27. Review status: criteria provided, single submitter. Criteria: Invitae Variant Classification Sherloc (09022015). Collection method: clinical testing. Allele origin: germline.
Comment: This sequence change affects a donor splice site in intron 27 of the PNPLA6 gene. It is expected to disrupt RNA splicing. Variants that disrupt the donor or acceptor splice site typically lead to a loss of protein function (PMID: 16199547), and loss-of-function variants in PNPLA6 are known to be pathogenic (PMID: 24355708). This variant is not present in population databases (gnomAD no frequency). This variant has not been reported in the literature in individuals affected with PNPLA6-related conditions. Algorithms developed to predict the effect of sequence changes on RNA splicing suggest that this variant may disrupt the consensus splice site. In summary, the currently available evidence indicates that the variant is pathogenic, but additional data are needed to prove that conclusively. Therefore, this variant has been classified as Likely Pathogenic.

Literature cited by the submitters: PubMed 16199547; PubMed 24355708.

NM_001166114.2(PNPLA6):c.3093+1G>A

Gene: PNPLA6 (patatin like domain 6, lysophospholipase; plus strand). Cytogenetic location: 19p13.2.
Variant type: single nucleotide variant.
Coding change: c.3093+1G>A on transcript NM_001166114.2 (MANE Select); the canonical splice donor site of the intron after coding-DNA position 3093, G replaced by A.
Molecular consequence: splice donor variant.
Genome position (GRCh38, 1-based): chr19:7,555,764, G>A. VCF-style: chr19-7555764-G-A. GRCh37 (hg19) VCF-style: chr19-7620650-G-A.
Other names: c.2979+1G>A (NM_006702.5, NM_001166113.1); c.2898+1G>A (NM_001166112.2); c.3123+1G>A (NM_001166111.2).
Identifiers: ClinVar variation 4805607 (VCV004805607.1).
Genomic context (GRCh38, chr19:7,555,764, plus strand): 5'-TTGTACGCGGAGGAGCGCAGCGCCAGCCGCACGAAGCAGCGGGCCCGGGAGTGGGCCAAG[G>A]TGTGTGTTGCGAGGAGGGATTGCTGCACCCCAGGAGTGCCATAAAACCCGTGGTTCCAAC-3'